The following is an entry in ClinVar:

ClinVar aggregate classification (germline): Likely benign (1 of 4 stars; one submission).

Conditions:
Alport syndrome. Also called: Hemorrhagic familial nephritis; Hemorrhagic hereditary nephritis; Congenital hereditary hematuria. Identifiers: Orphanet 63, MedGen C1567741, MONDO:0018965.

Allele frequency attached by ClinVar (database versions not stated): 1000 Genomes Project 0.00679; 1000 Genomes Project 30x 0.00859; gnomAD 0.00878 and 0.00953; TOPMed 0.01012.

Submission:

Illumina Laboratory Services, Illumina
Classification: Likely benign for Alport syndrome. Last evaluated: 2018-01-13. Review status: criteria provided, single submitter. Criteria: ICSL Variant Classification Criteria 13 December 2019. Collection method: clinical testing. Allele origin: germline.
Comment: This variant was observed in the ICSL laboratory as part of a predisposition screen in an ostensibly healthy population. It had not been previously curated by ICSL or reported in the Human Gene Mutation Database (HGMD: prior to June 1st, 2018), and was therefore a candidate for classification through an automated scoring system. Utilizing variant allele frequency, disease prevalence and penetrance estimates, and inheritance mode, an automated score was calculated to assess if this variant is too frequent to cause the disease. Based on the score and internal cut-off values, a variant classified as likely benign is not then subjected to further curation. The score for this variant resulted in a classification of likely benign for this disease.

NM_000091.5(COL4A3):c.*1360T>A

Genes: COL4A3 (collagen type IV alpha 3 chain; plus strand), MFF-DT (MFF divergent transcript; minus strand). Cytogenetic location: 2q36.3.
Variant type: single nucleotide variant.
Coding change: c.*1360T>A on transcript NM_000091.5 (MANE Select); 1360 bases downstream of the stop codon, T replaced by A.
Molecular consequence: 3 prime UTR variant.
Genome position (GRCh38, 1-based): chr2:227,313,230, T>A. VCF-style: chr2-227313230-T-A. GRCh37 (hg19) VCF-style: chr2-228177946-T-A.
Identifiers: ClinVar variation 898081 (VCV000898081.4), dbSNP rs116377856, ClinGen allele CA66624504.